The following is an entry in ClinVar:

NM_001367549.1(ATP13A3):c.764A>G (p.Lys255Arg)

Gene: ATP13A3 (ATPase 13A3; minus strand). Cytogenetic location: 3q29.
Variant type: single nucleotide variant.
Coding change: c.764A>G on transcript NM_001367549.1 (MANE Select); coding-DNA position 764, A replaced by G.
Protein change: p.Lys255Arg; replaces lysine 255 with arginine.
Molecular consequence: missense variant. On other transcripts: non-coding transcript variant (2).
Genome position (GRCh38, 1-based): chr3:194,454,259, T>C on the plus strand (A>G on the coding strand, the complement: ATP13A3 is on the minus strand). VCF-style: chr3-194454259-T-C. GRCh37 (hg19) VCF-style: chr3-194174988-T-C.
Other names: c.764A>G (NM_024524.3); c.683A>G, p.Lys228Arg (NM_001374836.1); c.764A>G, p.Lys255Arg (NM_024524.4); short protein forms K228R, K255R.
Identifiers: ClinVar variation 2997153 (VCV002997153.4), dbSNP rs559657505, ClinGen allele CA2762174.
Genomic context (GRCh38, chr3:194,454,259, plus strand): 5'-TTAGATGTTACTACAAAATACAAATACAGTTGTGAAACCCATAATAAATTTGAACTTACC[T>C]TTCTAATGGAATATAGTGAGCTTACGATTGATACTATGGACATAACCACAATAGCTAGAG-3'
Protein context (NP_001354478.1, residues 245-265): SIVSSLYSIR[Lys255Arg]QYVMLHDMVA

ClinVar aggregate classification (germline): Uncertain significance. Review status: criteria provided, multiple submitters, no conflicts (2 of 4 stars). 2 submissions from 2 submitters: Uncertain significance (2). Last evaluated 2024-05-14.

Allele frequency attached by ClinVar (database versions not stated): ExAC 0.00002; gnomAD exomes 0.00002; gnomAD 0.00004; 1000 Genomes Project 0.00020; 1000 Genomes Project 30x 0.00031.
gnomAD v4.1: 38 of 1,598,332 alleles (0.0024%); highest among the groups gnomAD compares: South Asian, 0.04%; no homozygotes.

Submissions (2):

Ambry Genetics
Classification: Uncertain significance. Last evaluated: 2024-05-14. Review status: criteria provided, single submitter. Criteria: Ambry Variant Classification Scheme 2023. Collection method: clinical testing. Allele origin: germline.

Labcorp Genetics (formerly Invitae), Labcorp
Classification: Uncertain significance. Last evaluated: 2023-12-24. Review status: criteria provided, single submitter. Criteria: Invitae Variant Classification Sherloc (09022015). Collection method: clinical testing. Allele origin: germline.
Comment: This sequence change replaces lysine, which is basic and polar, with arginine, which is basic and polar, at codon 255 of the ATP13A3 protein (p.Lys255Arg). This variant is present in population databases (rs559657505, gnomAD 0.02%). This variant has not been reported in the literature in individuals affected with ATP13A3-related conditions. An algorithm developed to predict the effect of missense changes on protein structure and function (PolyPhen-2) suggests that this variant is likely to be disruptive. In summary, the available evidence is currently insufficient to determine the role of this variant in disease. Therefore, it has been classified as a Variant of Uncertain Significance.